The following is an entry in ClinVar:

ClinVar aggregate classification (germline): Pathogenic (1 of 4 stars; one submission).

Conditions:
Hereditary breast ovarian cancer syndrome. Also called: Hereditary breast and ovarian cancer syndrome (HBOC); Breast and ovarian cancer; Hereditary breast and/or ovarian cancer syndrome; Hereditary breast and ovarian cancer; BRCA1- and BRCA2-Associated Hereditary Breast and Ovarian Cancer; Hereditary breast and ovarian cancer syndrome. Identifiers: Orphanet 145, MedGen C0677776, MeSH D061325, MONDO:0003582. Disease mechanism: loss of function.

Submission:

Labcorp Genetics (formerly Invitae), Labcorp
Classification: Pathogenic for Hereditary breast ovarian cancer syndrome. Last evaluated: 2022-06-16. Review status: criteria provided, single submitter. Criteria: Invitae Variant Classification Sherloc (09022015). Collection method: clinical testing. Allele origin: germline.
Comment: For these reasons, this variant has been classified as Pathogenic. A similar copy number variant has been observed in individual(s) with breast cancer (PMID: 20617377, 28205045). This variant is a gross deletion of the genomic region encompassing exon(s) 1-14 of the BRCA1 gene, which includes the initiator codon. This deletion extends beyond the assayed region for this gene and therefore may encompass additional genes. It is expected to result in an absent or disrupted protein product. Loss-of-function variants in BRCA1 are known to be pathogenic (PMID: 20104584).

Literature cited by the submitters: PubMed 20617377; PubMed 28205045; PubMed 20104584.

NC_000017.10:g.(?_41226328)_(41277500_?)del

Gene: BRCA1 (BRCA1 DNA repair associated; minus strand). Cytogenetic location: 17q21.31.
Variant type: Deletion.
Identifiers: ClinVar variation 2425711 (VCV002425711.7).